The following is an entry in ClinVar:

NM_000287.4(PEX6):c.275_280dup (p.Val92_Arg93dup)

Gene: PEX6 (peroxisomal biogenesis factor 6; minus strand). Cytogenetic location: 6p21.1.
Variant type: Duplication.
Coding change: c.275_280dup on transcript NM_000287.4 (MANE Select); coding-DNA positions 275 to 280, 6 bases duplicated (TGCGGG; older notation c.275_280dupTGCGGG).
Protein change: p.Val92_Arg93dup.
Molecular consequence: inframe insertion. On other transcripts: non-coding transcript variant (1).
Genome position (GRCh38, 1-based): chr6:42,978,871-42,978,876, CCCGCA duplicated on the plus strand (TGCGGG on the coding strand, the reverse complement: PEX6 is on the minus strand); duplicating any 6 consecutive bases within chr6:42,978,871-42,978,879 gives the same sequence; the c. name uses the placement nearest the transcript's 3' end. VCF-style (leftmost placement, unchanged base first): chr6-42978870-G-GCCCGCA. GRCh37 (hg19) VCF-style: chr6-42946608-G-GCCCGCA.
Other names: c.275_280dup, p.Val92_Arg93dup (NM_001316313.2).
Identifiers: ClinVar variation 552327 (VCV000552327.7), dbSNP rs61752142, ClinGen allele CA567149900.
Genomic context (GRCh38, chr6:42,978,870, plus strand): 5'-GGCCCCAGCGAGGTGCCAAGCAGTGCCCAACCTAGCGCCGGGGGCCGCCGCACCGCCCGC[G>GCCCGCA]CCCGCACCCAGGCCCCGGAGCCCAGTGCCAGGAGCCGCAGCAGCGCGCGGCTAACCAGTA-3'

ClinVar aggregate classification (germline): Uncertain significance. Review status: criteria provided, multiple submitters, no conflicts (2 of 4 stars). 4 submissions from 4 submitters: Uncertain significance (3). 1 of the submissions does not count toward it. Last evaluated 2026-03-30.

Conditions:
Heimler syndrome 2 (HMLR2). Also called: PEROXISOME BIOGENESIS DISORDER 4C. Identifiers: Orphanet 3220, MedGen C4225267, OMIM 616617, MONDO:0014709.
Peroxisome biogenesis disorder 4A (Zellweger) (PBD4A). Also called: Zellweger syndrome spectrum (PEX6-related). Identifiers: Orphanet 912, MedGen C3553936, MONDO:0013930, OMIM 614862. Disease mechanism: loss of function.
Peroxisome biogenesis disorder 4B (PBD4B). Also called: SPINOCEREBELLAR ATAXIA WITH BLINDNESS AND DEAFNESS 1. Identifiers: Orphanet 44, Orphanet 95433, MedGen C3553937, MONDO:0013931, OMIM 614863.
Peroxisome biogenesis disorder. Identifiers: Orphanet 79189, MedGen C1832200, MONDO:0019234. Disease mechanism: loss of function.
PEX6-related disorder. Also called: PEX6-related condition; PEX6-related disorders.

Submissions (4):

PreventionGenetics, part of Exact Sciences
Classification: Uncertain significance for PEX6-related condition. Last evaluated: 2026-03-30. Review status: criteria provided, single submitter. Criteria: ACMG Guidelines, 2015. Collection method: clinical testing. Allele origin: germline.
Comment: The PEX6 c.275_280dup6 variant is predicted to result in an in-frame duplication (p.Val92_Arg93dup). To our knowledge, this variant has not been reported in the literature. This variant is reported in 0.0057% of alleles in individuals of Latino descent in gnomAD. At this time, the clinical significance of this variant is uncertain due to the absence of conclusive functional and genetic evidence.

Labcorp Genetics (formerly Invitae), Labcorp
Classification: Uncertain significance for Peroxisome biogenesis disorder. Last evaluated: 2024-08-13. Review status: criteria provided, single submitter. Criteria: Invitae Variant Classification Sherloc (09022015). Collection method: clinical testing. Allele origin: germline.
Comment: This variant, c.275_280dup, results in the insertion of 2 amino acid(s) of the PEX6 protein (p.Val92_Arg93dup), but otherwise preserves the integrity of the reading frame. This variant is present in population databases (no rsID available, gnomAD 0.006%). This variant has not been reported in the literature in individuals affected with PEX6-related conditions. ClinVar contains an entry for this variant (Variation ID: 552327). Experimental studies and prediction algorithms are not available or were not evaluated, and the functional significance of this variant is currently unknown. In summary, the available evidence is currently insufficient to determine the role of this variant in disease. Therefore, it has been classified as a Variant of Uncertain Significance.

Baylor Genetics
Classification: Uncertain significance for Heimler syndrome 2. Last evaluated: 2018-01-13. Review status: criteria provided, single submitter. Criteria: ACMG Guidelines, 2015. Collection method: clinical testing. Allele origin: maternal. Affected: yes.
Comment: This variant was determined to be of uncertain significance according to ACMG Guidelines, 2015 [PMID:25741868].

Counsyl
Classification: Uncertain significance for Peroxisome biogenesis disorder 4A (Zellweger); Peroxisome biogenesis disorder 4B. Last evaluated: 2017-06-06. Review status: no assertion criteria provided. Collection method: clinical testing. Allele origin: unknown. Not counted in ClinVar's aggregate classification.